The following is an entry in ClinVar:

NM_001039958.2(MESP2):c.997A>T (p.Arg333Ter)

Gene: MESP2 (mesoderm posterior bHLH transcription factor 2; plus strand). Cytogenetic location: 15q26.1.
Variant type: single nucleotide variant.
Coding change: c.997A>T on transcript NM_001039958.2 (MANE Select); coding-DNA position 997, A replaced by T.
Protein change: p.Arg333Ter; replaces arginine 333 with a stop codon.
Molecular consequence: nonsense.
Genome position (GRCh38, 1-based): chr15:89,778,137, A>T. VCF-style: chr15-89778137-A-T. GRCh37 (hg19) VCF-style: chr15-90321368-A-T.
Other names: short protein forms R333*.
Identifiers: ClinVar variation 556328 (VCV000556328.3), dbSNP rs1555439250, ClinGen allele CA393775578.

ClinVar aggregate classification (germline): Uncertain significance. Review status: criteria provided, single submitter (1 of 4 stars). 2 submissions from 2 submitters: Uncertain significance (1). 1 of the submissions does not count toward it. Last evaluated 2025-08-13.

Conditions:
Spondylocostal dysostosis 2, autosomal recessive (SCDO2). Also called: MESP2-Related Spondylocostal Dysostosis, Autosomal Recessive; Spondylocostal dysostosis type 2. Identifiers: Orphanet 2311, MedGen C1837549, MONDO:0012097, OMIM 608681.

Submissions (2):

Myriad Genetics, Inc.
Classification: Uncertain significance for Spondylocostal dysostosis 2, autosomal recessive. Last evaluated: 2025-08-13. Review status: criteria provided, single submitter. Criteria: Myriad Autosomal Dominant, Autosomal Recessive and X-Linked Classification Criteria (2023). Collection method: clinical testing. Allele origin: unknown.
Comment: NM_001039958.1(MESP2):c.997A>T(R333*) is a nonsense variant classified as a variant of uncertain significance in the context of spondylothoracic dysostosis. R333* has not been observed in cases with relevant disease. Relevant functional assessments of this variant are not available in the literature. R333* has not been observed in referenced population frequency databases. In summary, there is insufficient evidence to classify NM_001039958.1(MESP2):c.997A>T(R333*) as pathogenic or benign. Please note: this variant was assessed in the context of healthy population screening.

Counsyl
Classification: Uncertain significance for Spondylocostal dysostosis 2, autosomal recessive. Last evaluated: 2018-01-24. Review status: no assertion criteria provided. Collection method: clinical testing. Allele origin: unknown. Not counted in ClinVar's aggregate classification.